The following is an entry in ClinVar:

ClinVar aggregate classification (germline): Pathogenic (1 of 4 stars; one submission).

Conditions:
Leukocyte adhesion deficiency 1 (LAD1). Also called: LAD 1; Lymphocyte function-associated antigen 1 immunodeficiency; LFA 1 immunodeficiency; LEUKOCYTE ADHESION DEFICIENCY, TYPE I. Identifiers: Orphanet 2968, Orphanet 99842, MedGen C0398738, MONDO:0007293, OMIM 116920.

Submission:

Labcorp Genetics (formerly Invitae), Labcorp
Classification: Pathogenic for Leukocyte adhesion deficiency 1. Last evaluated: 2024-08-16. Review status: criteria provided, single submitter. Criteria: Invitae Variant Classification Sherloc (09022015). Collection method: clinical testing. Allele origin: germline.
Comment: This sequence change creates a premature translational stop signal (p.Glu347Glyfs*10) in the ITGB2 gene. It is expected to result in an absent or disrupted protein product. Loss-of-function variants in ITGB2 are known to be pathogenic (PMID: 22134107, 25703682). This variant is not present in population databases (gnomAD no frequency). This variant has not been reported in the literature in individuals affected with ITGB2-related conditions. Algorithms developed to predict the effect of sequence changes on RNA splicing suggest that this variant may disrupt the consensus splice site. For these reasons, this variant has been classified as Pathogenic.

Literature cited by the submitters: PubMed 22134107; PubMed 25703682.

NM_000211.5(ITGB2):c.1040_1041del (p.Glu347fs)

Gene: ITGB2 (integrin subunit beta 2; minus strand). Cytogenetic location: 21q22.3.
Variant type: Deletion.
Coding change: c.1040_1041del on transcript NM_000211.5 (MANE Select); coding-DNA positions 1040 to 1041, 2 bases deleted (AG; older notation c.1040_1041delAG).
Protein change: p.Glu347fs; shifts the reading frame from glutamic acid 347.
Molecular consequence: frameshift variant.
Genome position (GRCh38, 1-based): chr21:44,895,013-44,895,014, CT deleted on the plus strand (AG on the coding strand, the reverse complement: ITGB2 is on the minus strand); deleting any 2 consecutive bases within chr21:44,895,013-44,895,015 gives the same sequence; the c. name uses the placement nearest the transcript's 3' end. VCF-style (leftmost placement, unchanged base first): chr21-44895012-CCT-C. GRCh37 (hg19) VCF-style: chr21-46314927-CCT-C.
Other names: c.1040_1041del, p.Glu347fs (NM_001127491.3); c.833_834del, p.Glu278fs (NM_001303238.2); short protein forms E278fs, E347fs.
Identifiers: ClinVar variation 3676196 (VCV003676196.2).